The following is an entry in ClinVar:

ClinVar aggregate classification (germline): Uncertain significance (1 of 4 stars; one submission).

Conditions:
Periodic fever-infantile enterocolitis-autoinflammatory syndrome. Also called: Autoinflammation with infantile enterocolitis. Identifiers: Orphanet 436166, MedGen C4015067, MONDO:0014472, OMIM 616050.
Familial cold autoinflammatory syndrome 4 (FCAS4). Identifiers: Orphanet 47045, Orphanet 576349, MedGen C4015276, MONDO:0014498, OMIM 616115.

Allele frequency attached by ClinVar (database versions not stated): TOPMed below 0.00001.

Submission:

Labcorp Genetics (formerly Invitae), Labcorp
Classification: Uncertain significance for Periodic fever-infantile enterocolitis-autoinflammatory syndrome; Familial cold autoinflammatory syndrome 4. Last evaluated: 2022-03-16. Review status: criteria provided, single submitter. Criteria: Invitae Variant Classification Sherloc (09022015). Collection method: clinical testing. Allele origin: germline.
Comment: This variant is not present in population databases (gnomAD no frequency). In summary, the available evidence is currently insufficient to determine the role of this variant in disease. Therefore, it has been classified as a Variant of Uncertain Significance. Algorithms developed to predict the effect of missense changes on protein structure and function are either unavailable or do not agree on the potential impact of this missense change (SIFT: "Deleterious"; PolyPhen-2: "Benign"; Align-GVGD: "Class C25"). This variant has not been reported in the literature in individuals affected with NLRC4-related conditions. This sequence change replaces aspartic acid, which is acidic and polar, with alanine, which is neutral and non-polar, at codon 419 of the NLRC4 protein (p.Asp419Ala).

NM_001199138.2(NLRC4):c.1256A>C (p.Asp419Ala)

Gene: NLRC4 (NLR family CARD domain containing 4; minus strand). Cytogenetic location: 2p22.3.
Variant type: single nucleotide variant.
Coding change: c.1256A>C on transcript NM_001199138.2 (MANE Select); coding-DNA position 1256, A replaced by C.
Protein change: p.Asp419Ala; replaces aspartic acid 419 with alanine.
Molecular consequence: missense variant. On other transcripts: intron variant (1).
Genome position (GRCh38, 1-based): chr2:32,250,608, T>G on the plus strand (A>C on the coding strand, the complement: NLRC4 is on the minus strand). VCF-style: chr2-32250608-T-G. GRCh37 (hg19) VCF-style: chr2-32475677-T-G.
Other names: c.1256A>C, p.Asp419Ala (NM_001199139.2, NM_021209.5); c.262+1811A>C (NM_001302504.1); short protein forms D419A.
Identifiers: ClinVar variation 2112970 (VCV002112970.4), dbSNP rs1687050416, ClinGen allele CA346512948.